The following is an entry in ClinVar:

ClinVar aggregate classification (germline): Conflicting classifications of pathogenicity. Review status: criteria provided, conflicting classifications (1 of 4 stars). 4 submissions from 4 submitters: Uncertain significance (2); Likely benign (2). Last evaluated 2026-02-01.

Conditions:
Autosomal dominant hypocalcemia 1 (HYPOC1). Also called: HYPOCALCEMIA, FAMILIAL. Identifiers: MedGen C3715128, MONDO:0011013, OMIM 601198.
Familial hypocalciuric hypercalcemia (FHH). Also called: Familial benign hypercalcemia. Identifiers: Orphanet 405, MedGen C1809471, MONDO:0018458.
Nephrolithiasis/nephrocalcinosis. Identifiers: MedGen CN580796.

Allele frequency attached by ClinVar (database versions not stated): ExAC 0.00011; gnomAD 0.00026; gnomAD exomes 0.00002 and 0.00008; 1000 Genomes Project 0.00080; TOPMed 0.00033; ESP Exome Variant Server 0.00054; 1000 Genomes Project 30x 0.00094.
gnomAD v4.1: 78 of 1,614,178 alleles (0.0048%); highest among the groups gnomAD compares: African/African-American, 0.085%; no homozygotes.

Submissions (4):

Labcorp Genetics (formerly Invitae), Labcorp
Classification: Likely benign for Familial hypocalciuric hypercalcemia; Autosomal dominant hypocalcemia 1. Last evaluated: 2026-02-01. Review status: criteria provided, single submitter. Criteria: Invitae Variant Classification Sherloc (09022015). Collection method: clinical testing. Allele origin: germline.

GeneDx
Classification: Uncertain significance. Last evaluated: 2025-01-16. Review status: criteria provided, single submitter. Criteria: GeneDx Variant Classification Process June 2021. Collection method: clinical testing. Allele origin: germline.
Comment: In silico analysis indicates that this variant does not alter splicing; Has not been previously published as pathogenic or benign to our knowledge; This variant is associated with the following publications: (PMID: 36315513)

Ambry Genetics
Classification: Likely benign for Nephrolithiasis/nephrocalcinosis. Last evaluated: 2024-01-16. Review status: criteria provided, single submitter. Criteria: Ambry Variant Classification Scheme 2023. Collection method: clinical testing. Allele origin: germline.

Eurofins Ntd Llc (ga)
Classification: Uncertain significance. Last evaluated: 2015-06-18. Review status: criteria provided, single submitter. Criteria: EGL Classification Definitions 2015. Collection method: clinical testing. Allele origin: germline. Observed: 1 variant allele, 1 heterozygote.

NM_000388.4(CASR):c.885C>T (p.Ala295=)

Gene: CASR (calcium sensing receptor; plus strand). Cytogenetic location: 3q21.1.
Variant type: single nucleotide variant.
Coding change: c.885C>T on transcript NM_000388.4 (MANE Select); coding-DNA position 885, C replaced by T.
Protein change: p.Ala295=; no amino-acid change (alanine 295 retained).
Molecular consequence: synonymous variant.
Genome position (GRCh38, 1-based): chr3:122,261,920, C>T. VCF-style: chr3-122261920-C-T. GRCh37 (hg19) VCF-style: chr3-121980767-C-T.
Other names: c.885C>T, p.Ala295= (NM_001178065.2).
Identifiers: ClinVar variation 281446 (VCV000281446.22), dbSNP rs147307274, ClinGen allele CA2569555.